The following is an entry in ClinVar:

NM_025114.4(CEP290):c.6398C>A (p.Thr2133Asn)

Gene: CEP290 (centrosomal protein 290; minus strand). Cytogenetic location: 12q21.32.
Variant type: single nucleotide variant.
Coding change: c.6398C>A on transcript NM_025114.4 (MANE Select); coding-DNA position 6398, C replaced by A.
Protein change: p.Thr2133Asn; replaces threonine 2133 with asparagine.
Molecular consequence: missense variant.
Genome position (GRCh38, 1-based): chr12:88,060,954, G>T on the plus strand (C>A on the coding strand, the complement: CEP290 is on the minus strand). VCF-style: chr12-88060954-G-T. GRCh37 (hg19) VCF-style: chr12-88454731-G-T.
Other names: short protein forms T2133N.
Identifiers: ClinVar variation 1483830 (VCV001483830.5), dbSNP rs775860198, ClinGen allele CA6711499.

ClinVar aggregate classification (germline): Uncertain significance. Review status: criteria provided, multiple submitters, no conflicts (2 of 4 stars). 3 submissions from 3 submitters: Uncertain significance (3). Last evaluated 2024-01-28.

Conditions:
Meckel-Gruber syndrome. Also called: DYSENCEPHALIA SPLANCHNOCYSTICA; GRUBER SYNDROME; Dysencephalia splachnocystica. Identifiers: Orphanet 564, MedGen C0265215, MONDO:0018921.
Joubert syndrome. Also called: JOUBERT-BOLTSHAUSER SYNDROME; Familial aplasia of the vermis. Identifiers: Orphanet 475, MedGen C5979921, MONDO:0018772.
Nephronophthisis. Also called: Juvenile Nephronophthisis. Identifiers: Orphanet 655, MedGen C0687120, MONDO:0019005, HP:0000090.
Leber congenital amaurosis 10 (LCA10). Identifiers: Orphanet 65, MedGen C1857821, MONDO:0012723, OMIM 611755.
Meckel syndrome, type 4 (MKS4). Also called: MECKEL-GRUBER SYNDROME, TYPE 4. Identifiers: Orphanet 564, MedGen C1970161, MONDO:0012626, OMIM 611134.
Bardet-Biedl syndrome 14 (BBS14). Identifiers: Orphanet 110, MedGen C2673874, MONDO:0014442, OMIM 615991.
Senior-Loken syndrome 6 (SLSN6). Identifiers: Orphanet 3156, MedGen C1857779, MONDO:0012433, OMIM 610189.
Joubert syndrome 5 (JBTS5). Identifiers: Orphanet 2318, MedGen C1857780, MONDO:0012432, OMIM 610188.

Allele frequency attached by ClinVar (database versions not stated): gnomAD 0.00002.
gnomAD v4.1: 18 of 1,560,752 alleles (0.0012%); highest among the groups gnomAD compares: South Asian, 0.018%; no homozygotes.

Submissions (3):

Fulgent Genetics
Classification: Uncertain significance for Joubert syndrome 5; Senior-Loken syndrome 6; Meckel syndrome, type 4; Leber congenital amaurosis 10; Bardet-Biedl syndrome 14. Last evaluated: 2024-01-28. Review status: criteria provided, single submitter. Criteria: ACMG Guidelines, 2015. Collection method: clinical testing. Allele origin: germline.

Labcorp Genetics (formerly Invitae), Labcorp
Classification: Uncertain significance for Joubert syndrome; Meckel-Gruber syndrome; Nephronophthisis. Last evaluated: 2022-08-10. Review status: criteria provided, single submitter. Criteria: Invitae Variant Classification Sherloc (09022015). Collection method: clinical testing. Allele origin: germline.
Comment: This sequence change replaces threonine, which is neutral and polar, with asparagine, which is neutral and polar, at codon 2133 of the CEP290 protein (p.Thr2133Asn). The frequency data for this variant in the population databases is considered unreliable, as metrics indicate poor data quality at this position in the gnomAD database. This variant has not been reported in the literature in individuals affected with CEP290-related conditions. ClinVar contains an entry for this variant (Variation ID: 1483830). Algorithms developed to predict the effect of missense changes on protein structure and function are either unavailable or do not agree on the potential impact of this missense change (SIFT: "Deleterious"; PolyPhen-2: "Probably Damaging"; Align-GVGD: "Class C0"). In summary, the available evidence is currently insufficient to determine the role of this variant in disease. Therefore, it has been classified as a Variant of Uncertain Significance.

Blueprint Genetics
Classification: Uncertain significance. Last evaluated: 2020-11-27. Review status: criteria provided, single submitter. Criteria: ACMG Guidelines, 2015. Collection method: clinical testing. Allele origin: germline.